The following is an entry in ClinVar:

NM_015102.5(NPHP4):c.4232A>G (p.His1411Arg)

Gene: NPHP4 (nephrocystin 4; minus strand). Cytogenetic location: 1p36.31.
Variant type: single nucleotide variant.
Coding change: c.4232A>G on transcript NM_015102.5 (MANE Select); coding-DNA position 4232, A replaced by G.
Protein change: p.His1411Arg; replaces histidine 1411 with arginine.
Molecular consequence: missense variant. On other transcripts: non-coding transcript variant (1).
Genome position (GRCh38, 1-based): chr1:5,863,314, T>C on the plus strand (A>G on the coding strand, the complement: NPHP4 is on the minus strand). VCF-style: chr1-5863314-T-C. GRCh37 (hg19) VCF-style: chr1-5923374-T-C.
Other names: c.2693A>G, p.His898Arg (NM_001291593.2); c.2696A>G, p.His899Arg (NM_001291594.2); short protein forms H898R, H899R, H1411R.
Identifiers: ClinVar variation 2182921 (VCV002182921.2), dbSNP rs762068143, ClinGen allele CA553296.

ClinVar aggregate classification (germline): Uncertain significance (1 of 4 stars; one submission).

Conditions:
Nephronophthisis. Also called: Juvenile Nephronophthisis. Identifiers: Orphanet 655, MedGen C0687120, MONDO:0019005, HP:0000090.

Allele frequency attached by ClinVar (database versions not stated): gnomAD 0.00001; TOPMed 0.00001; ExAC 0.00002; gnomAD exomes 0.00002.
gnomAD v4.1: 15 of 1,613,918 alleles (0.00093%); highest among the groups gnomAD compares: Non-Finnish European, 0.0013%; no homozygotes.

Submission:

Labcorp Genetics (formerly Invitae), Labcorp
Classification: Uncertain significance for Nephronophthisis. Last evaluated: 2025-10-02. Review status: criteria provided, single submitter. Criteria: Invitae Variant Classification Sherloc (09022015). Collection method: clinical testing. Allele origin: germline.
Comment: This sequence change replaces histidine, which is basic and polar, with arginine, which is basic and polar, at codon 1411 of the NPHP4 protein (p.His1411Arg). This variant is present in population databases (rs762068143, gnomAD 0.002%). This variant has not been reported in the literature in individuals affected with NPHP4-related conditions. ClinVar contains an entry for this variant (Variation ID: 2182921). Invitae Evidence Modeling of protein sequence and biophysical properties (such as structural, functional, and spatial information, amino acid conservation, physicochemical variation, residue mobility, and thermodynamic stability) indicates that this missense variant is not expected to disrupt NPHP4 protein function with a negative predictive value of 80%. In summary, the available evidence is currently insufficient to determine the role of this variant in disease. Therefore, it has been classified as a Variant of Uncertain Significance.